The following is an entry in ClinVar:

ClinVar aggregate classification (germline): Uncertain significance (1 of 4 stars; one submission).

Allele frequency attached by ClinVar (database versions not stated): gnomAD 0.00001; gnomAD exomes 0.00001 and 0.00002; TOPMed 0.00001; ExAC 0.00002.
gnomAD v4.1: 21 of 1,613,606 alleles (0.0013%); highest among the groups gnomAD compares: East Asian, 0.0067%; no homozygotes.

Submission:

Labcorp Genetics (formerly Invitae), Labcorp
Classification: Uncertain significance. Last evaluated: 2026-01-02. Review status: criteria provided, single submitter. Criteria: Invitae Variant Classification Sherloc (09022015). Collection method: clinical testing. Allele origin: germline.
Comment: This sequence change replaces arginine, which is basic and polar, with cysteine, which is neutral and slightly polar, at codon 1521 of the USH2A protein (p.Arg1521Cys). This variant is present in population databases (rs773526991, gnomAD 0.01%). This missense change has been observed in individual(s) with clinical features of retinitis pigmentosa (internal data). ClinVar contains an entry for this variant (Variation ID: 1368706). An algorithm developed to predict the effect of missense changes on protein structure and function outputs the following: PolyPhen-2: "Probably Damaging". The cysteine amino acid residue is found in multiple mammalian species, which suggests that this missense change does not adversely affect protein function. In summary, the available evidence is currently insufficient to determine the role of this variant in disease. Therefore, it has been classified as a Variant of Uncertain Significance.

NM_206933.4(USH2A):c.4561C>T (p.Arg1521Cys)

Gene: USH2A (usherin; minus strand). Cytogenetic location: 1q41.
Variant type: single nucleotide variant.
Coding change: c.4561C>T on transcript NM_206933.4 (MANE Select); coding-DNA position 4561, C replaced by T.
Protein change: p.Arg1521Cys; replaces arginine 1521 with cysteine.
Molecular consequence: missense variant.
Genome position (GRCh38, 1-based): chr1:216,175,318, G>A on the plus strand (C>T on the coding strand, the complement: USH2A is on the minus strand). VCF-style: chr1-216175318-G-A. GRCh37 (hg19) VCF-style: chr1-216348660-G-A.
Other names: c.4561C>T, p.Arg1521Cys (NM_007123.6); short protein forms R1521C.
Identifiers: ClinVar variation 1368706 (VCV001368706.4), dbSNP rs773526991, ClinGen allele CA1395692.